The following is an entry in ClinVar:

ClinVar aggregate classification (germline): Uncertain significance. Review status: criteria provided, multiple submitters, no conflicts (2 of 4 stars). 3 submissions from 3 submitters: Uncertain significance (3). Last evaluated 2025-07-15.

Conditions:
Hereditary cancer-predisposing syndrome. Also called: Neoplastic Syndromes, Hereditary; Hereditary neoplastic syndrome; Hereditary Cancer Syndrome; Tumor predisposition. Identifiers: Orphanet 140162, MedGen C0027672, MeSH D009386, MONDO:0015356.
POLD1-related polyposis and colorectal cancer syndrome (CRCS10). Also called: Colorectal cancer, susceptibility to, 10; Colorectal cancer 10; COLORECTAL CANCER, SUSCEPTIBILITY TO, ON CHROMOSOME 19q. Identifiers: Orphanet 220460, MedGen C2675481, MONDO:0012953, OMIM 612591.

Submissions (3):

Ambry Genetics
Classification: Uncertain significance for Hereditary cancer-predisposing syndrome. Last evaluated: 2025-07-15. Review status: criteria provided, single submitter. Criteria: Ambry Variant Classification Scheme 2023. Collection method: clinical testing. Allele origin: germline.
Comment: The c.885_887delGGT variant (also known as p.V296del) is located in coding exon 7 of the POLD1 gene. This variant results from an in-frame GGT deletion at nucleotide positions 885 to 887. This results in the in-frame deletion of a valine at codon 296. This amino acid position is not well conserved in available vertebrate species. In addition, this variant is predicted to be deleterious by in silico analysis (Choi Y et al. PLoS ONE. 2012; 7(10):e46688). Based on the available evidence, the clinical significance of this variant remains unclear.

GeneDx
Classification: Uncertain significance. Last evaluated: 2022-05-01. Review status: criteria provided, single submitter. Criteria: GeneDx Variant Classification Process June 2021. Collection method: clinical testing. Allele origin: germline. Affected: yes.
Comment: Not observed at significant frequency in large population cohorts (gnomAD); In-frame deletion of 1 amino acid in a non-repeat region; Has not been previously published as pathogenic or benign to our knowledge

Labcorp Genetics (formerly Invitae), Labcorp
Classification: Uncertain significance for POLD1-related polyposis and colorectal cancer syndrome. Last evaluated: 2016-05-23. Review status: criteria provided, single submitter. Criteria: Invitae Variant Classification Sherloc (09022015). Collection method: clinical testing. Allele origin: germline.
Comment: This sequence change deletes 3 nucleotides from exon 8 of the POLD1 mRNA (c.885_887delGGT). This leads to the deletion of 1 amino acid residue in the POLD1 protein (p.Val296del) but otherwise preserves the integrity of the reading frame. This variant is not present in population databases (ExAC no frequency) and has not been reported in the literature in individuals with a POLD1-related disease. Algorithms developed to predict the effect of sequence changes on mRNA splicing suggest that this variant may alter mRNA splicing, but this prediction has not been confirmed by published transcriptional studies. In summary, this variant is a novel single amino acid deletion with uncertain impact on mRNA splicing and protein function. It has been classified as a Variant of Uncertain Significance.

NM_002691.4(POLD1):c.885_887del (p.Val296del)

Gene: POLD1 (DNA polymerase delta 1, catalytic subunit; plus strand). Cytogenetic location: 19q13.33.
Variant type: Deletion.
Coding change: c.885_887del on transcript NM_002691.4 (MANE Select); coding-DNA positions 885 to 887, 3 bases deleted (GGT; older notation c.885_887delGGT).
Protein change: p.Val296del; deletes valine 296.
Molecular consequence: inframe deletion. On other transcripts: non-coding transcript variant (1).
Genome position (GRCh38, 1-based): chr19:50,402,656-50,402,658, GGT deleted; deleting any 3 consecutive bases within chr19:50,402,654-50,402,658 gives the same sequence; the c. name uses the placement nearest the transcript's 3' end. VCF-style (leftmost placement, unchanged base first): chr19-50402653-CGTG-C. GRCh37 (hg19) VCF-style: chr19-50905910-CGTG-C.
Other names: c.885_887delGGT (NM_002691.3, NM_002691.2); c.885_887del, p.Val296del (NM_001256849.1, NM_001308632.1); short protein forms V296del.
Identifiers: ClinVar variation 407977 (VCV000407977.9), dbSNP rs1060501809, ClinGen allele CA16616124.
Genomic context (GRCh38, chr19:50,402,653, plus strand): 5'-GACCCACCCATGCCCACAGGCTACGCAGTGCCAGCTGGAGGCGGACGTGCTGTGGTCTGA[CGTG>C]GTCAGTCACCCACCGGAAGGGCCATGGCAGCGCATTGCGCCCTTGCGCGTGCTCAGCTTC-3'